The following is an entry in ClinVar:

ClinVar aggregate classification (germline): Uncertain significance (1 of 4 stars; one submission).

gnomAD v4.1: 4 of 1,614,072 alleles (0.00025%); highest among the groups gnomAD compares: Admixed American, 0.0017%; no homozygotes.

Submission:

Labcorp Genetics (formerly Invitae), Labcorp
Classification: Uncertain significance. Last evaluated: 2024-06-23. Review status: criteria provided, single submitter. Criteria: Invitae Variant Classification Sherloc (09022015). Collection method: clinical testing. Allele origin: germline.
Comment: This sequence change replaces alanine, which is neutral and non-polar, with threonine, which is neutral and polar, at codon 247 of the SEC61A1 protein (p.Ala247Thr). This variant is present in population databases (no rsID available, gnomAD 0.1%). This variant has not been reported in the literature in individuals affected with SEC61A1-related conditions. Advanced modeling of protein sequence and biophysical properties (such as structural, functional, and spatial information, amino acid conservation, physicochemical variation, residue mobility, and thermodynamic stability) performed at Invitae indicates that this missense variant is not expected to disrupt SEC61A1 protein function with a negative predictive value of 80%. In summary, the available evidence is currently insufficient to determine the role of this variant in disease. Therefore, it has been classified as a Variant of Uncertain Significance.

NM_013336.4(SEC61A1):c.739G>A (p.Ala247Thr)

Genes: RUVBL1 (RuvB like AAA ATPase 1; minus strand), SEC61A1 (SEC61 translocon subunit alpha 1; plus strand). Cytogenetic location: 3q21.3.
Variant type: single nucleotide variant.
Coding change: c.739G>A on transcript NM_013336.4 (MANE Select); coding-DNA position 739, G replaced by A.
Protein change: p.Ala247Thr; replaces alanine 247 with threonine.
Molecular consequence: missense variant. On other transcripts: 3 prime UTR variant (1).
Genome position (GRCh38, 1-based): chr3:128,064,999, G>A. VCF-style: chr3-128064999-G-A. GRCh37 (hg19) VCF-style: chr3-127783842-G-A.
Other names: c.580G>A, p.Ala194Thr (NM_001400329.1); c.*213C>T (NM_001319086.1); c.757G>A, p.Ala253Thr (NM_001400328.1); short protein forms A194T, A247T, A253T.
Identifiers: ClinVar variation 3604546 (VCV003604546.2).
Genomic context (GRCh38, chr3:128,064,999, plus strand): 5'-GTCCGAGCCCTTCGGGAGGCGTTCTACCGCCAGAATCTTCCCAACCTCATGAATCTCATC[G>A]CCACCATCTTTGTCTTTGCAGTGGTCATCTATTTCCAGGTGTGTCCAGATCCAACCCCAG-3'
Protein context (NP_037468.1, residues 237-257): QNLPNLMNLI[Ala247Thr]TIFVFAVVIY